The following is an entry in ClinVar:

ClinVar aggregate classification (germline): Uncertain significance. Review status: criteria provided, multiple submitters, no conflicts (2 of 4 stars). 2 submissions from 2 submitters: Uncertain significance (2). Last evaluated 2023-07-12.

Submissions (2):

Labcorp Genetics (formerly Invitae), Labcorp
Classification: Uncertain significance. Last evaluated: 2023-07-12. Review status: criteria provided, single submitter. Criteria: Invitae Variant Classification Sherloc (09022015). Collection method: clinical testing. Allele origin: germline.
Comment: In summary, the available evidence is currently insufficient to determine the role of this variant in disease. Therefore, it has been classified as a Variant of Uncertain Significance. This variant disrupts a region of the TULP1 protein in which other variant(s) (p.Lys538Glu) have been observed in individuals with TULP1-related conditions (Invitae). This suggests that this is a clinically significant region of the protein, and that variants that disrupt it are likely to be disease-causing. Experimental studies and prediction algorithms are not available or were not evaluated, and the functional significance of this variant is currently unknown. ClinVar contains an entry for this variant (Variation ID: 865996). This variant has not been reported in the literature in individuals affected with TULP1-related conditions. This variant is present in population databases (no rsID available, gnomAD 0.02%). This sequence change results in a frameshift in the TULP1 gene (p.Phe528Serfs*55). While this is not anticipated to result in nonsense mediated decay, it is expected to disrupt the last 15 amino acid(s) of the TULP1 protein and extend the protein by 39 additional amino acid residues.

Blueprint Genetics
Classification: Uncertain significance. Last evaluated: 2019-08-09. Review status: criteria provided, single submitter. Criteria: ACMG Guidelines, 2015. Collection method: clinical testing. Allele origin: germline.

NM_003322.6(TULP1):c.1581del (p.Phe528fs)

Gene: TULP1 (TUB like protein 1; minus strand). Cytogenetic location: 6p21.31.
Variant type: Deletion.
Coding change: c.1581del on transcript NM_003322.6 (MANE Select); coding-DNA position 1581, one base deleted (C; older notation c.1581delC).
Protein change: p.Phe528fs; shifts the reading frame from phenylalanine 528.
Molecular consequence: frameshift variant.
Genome position (GRCh38, 1-based): chr6:35,498,375, G deleted on the plus strand (C on the coding strand, the reverse complement: TULP1 is on the minus strand); the first of 2 consecutive G bases (chr6:35,498,375-35,498,376); deleting either gives the same sequence. VCF-style (leftmost placement, unchanged base first): chr6-35498374-AG-A. GRCh37 (hg19) VCF-style: chr6-35466151-AG-A.
Other names: c.1422del, p.Phe475fs (NM_001289395.2); short protein forms F475fs, F528fs.
Identifiers: ClinVar variation 865996 (VCV000865996.9), dbSNP rs1355066758, ClinGen allele CA566486561.